The following is an entry in ClinVar:

ClinVar aggregate classification (germline): Pathogenic/Likely pathogenic. Review status: criteria provided, multiple submitters, no conflicts (2 of 4 stars). 9 submissions from 9 submitters: Pathogenic (6); Likely pathogenic (1). 2 of the submissions do not count toward it. Last evaluated 2025-12-22.

Conditions:
KCNQ1-related disorder. Also called: KCNQ1-related condition; KCNQ1-related disorders. Identifiers: MedGen CN239322.
Long QT syndrome (LQTS). Identifiers: MedGen C0023976, MeSH D008133, MONDO:0002442. Disease mechanism: loss of function. Inheritance: Various modes of inheritance.
Long QT syndrome 1 (LQT1). Identifiers: Orphanet 101016, Orphanet 768, MedGen C4551647, MONDO:0100316, OMIM 192500, MONDO:0008646.

Submissions (9):

GeneDx
Classification: Likely pathogenic. Last evaluated: 2025-12-22. Review status: criteria provided, single submitter. Criteria: GeneDx Variant Classification Process June 2021. Collection method: clinical testing. Allele origin: germline. Affected: yes.
Comment: Not observed in large population cohorts (gnomAD); In-frame deletion of 1 amino acid in a non-repeat region; Published functional studies suggest this variant (reported as S276del) results in reduced potassium channel activity (PMID: 15194462); In silico analysis supports a deleterious effect on protein structure/function; This variant is associated with the following publications: (PMID: 15194462, 27485560, 15176425, 16414944, 20890437, 22539601, 31737537, 32048431, 34505893, 36243179)

Labcorp Genetics (formerly Invitae), Labcorp
Classification: Pathogenic for Long QT syndrome. Last evaluated: 2025-05-22. Review status: criteria provided, single submitter. Criteria: Invitae Variant Classification Sherloc (09022015). Collection method: clinical testing. Allele origin: germline.
Comment: This variant, c.828_830del, results in the deletion of 1 amino acid(s) of the KCNQ1 protein (p.Ser277del), but otherwise preserves the integrity of the reading frame. This variant is not present in population databases (gnomAD no frequency). This variant has been observed in individuals with Jervell and Lange-Nielsen syndrome and/or Long QT syndrome (PMID: 20890437, 22539601; internal data). This variant is also known as p.Ser276del. ClinVar contains an entry for this variant (Variation ID: 53114). Algorithms developed to predict the effect of variants on gene product structure and function are not available or were not evaluated for this variant. Experimental studies have shown that this variant affects KCNQ1 function (PMID: 15194462). This variant disrupts the p.Ser277 amino acid residue in KCNQ1. Other variant(s) that disrupt this residue have been determined to be pathogenic (PMID: 12442276, 16414944, 19716085, 21241800, 21895724, 23130128). This suggests that this residue is clinically significant, and that variants that disrupt this residue are likely to be disease-causing. For these reasons, this variant has been classified as Pathogenic.

Blueprint Genetics
Classification: Pathogenic for KCNQ1-related disorders. Last evaluated: 2023-07-18. Review status: criteria provided, single submitter. Criteria: ACMG Guidelines, 2015. Collection method: clinical testing. Allele origin: germline. Affected: yes. Observed: 1 variant allele.

Institute of Medical Genetics and Applied Genomics, University Hospital Tübingen
Classification: Pathogenic. Last evaluated: 2021-06-17. Review status: criteria provided, single submitter. Criteria: ACMG Guidelines, 2015. Collection method: clinical testing. Allele origin: germline. Inheritance: Autosomal dominant inheritance. Affected: yes.

CeGaT Center for Human Genetics Tuebingen
Classification: Pathogenic. Last evaluated: 2020-12-01. Review status: criteria provided, single submitter. Criteria: CeGaT Center For Human Genetics Tuebingen Variant Classification Criteria Version 2. Collection method: clinical testing. Allele origin: germline. Affected: yes. Observed: 1 variant allele.

Victorian Clinical Genetics Services, Murdoch Childrens Research Institute
Classification: Pathogenic for Long QT syndrome 1. Last evaluated: 2020-07-02. Review status: criteria provided, single submitter. Criteria: ACMG Guidelines, 2015. Collection method: clinical testing. Allele origin: germline.
Comment: Based on the classification scheme VCGS_Germline_v1.3.3, this variant is classified as 5-Pathogenic. Following criteria are met: 0103 - Dominant negative, loss of function and gain of function are known mechanisms of disease in this gene. Gain of function mutations result exclusively in Short QT syndrome (SQTS), while dominant negative and loss of function mutations can cause Long QT syndrome (LQTS), atrial fibrillation (AF) and Jervell and Lange-Nielson syndrome (JLNS) (OMIM, PMID: 19632626, PMID: 28438721). (I) 0108 - This gene is known to be associated with both recessive and dominant disease. JLNS is a more severe form of LQTS, and is the only condition caused by biallelic pathogenic variants (PMID: 28438721). (I) 0112 - The condition associated with this gene has incomplete penetrance (GeneReviews, OMIM). (I) 0213 - In-frame deletion in a non-repetitive region that has high conservation. (SP) 0251 - This variant is heterozygous. (I) 0301 - Variant is absent from gnomAD (both v2 and v3). (SP) 0600 - Variant is located in the annotated S5 transmembrane domain (PMID: 15194462). (I) 0801 - This variant has strong previous evidence of pathogenicity in unrelated individuals. This variant has been reported in individuals with LQTS and in compound heterozygous individuals with JLNS (PMIDs: 15194462, 15176425, 16414944, 20890437, 22539601, 27485560). (SP) 1002 - This variant has moderate functional evidence supporting abnormal protein function. Transfected mutant protein in COS-7 cells demonstrated loss of K+ currents using the patch clamp technique and retention in endoplasmic reticulum (ER) compared to wild type protein. Moreover, co-transfection of mutant and wild type proteins resulted in intermediate K+ currents (PMIDs: 15194462). (SP) 1208 - Inheritance information for this variant is not currently available in this individual. (I) Legend: (SP) - Supporting pathogenic, (I) - Information, (SB) - Supporting benign

MVZ Martinsried, Medicover Genetics
Classification: Pathogenic for Long QT syndrome 1. Last evaluated: 2018-02-15. Review status: criteria provided, single submitter. Criteria: ACMG Guidelines, 2015. Collection method: clinical testing. Allele origin: unknown. Affected: yes.

Clinical Molecular Genetics Laboratory, Johns Hopkins All Children's Hospital
Classification: Pathogenic. Last evaluated: 2015-11-06. Review status: no assertion criteria provided. Collection method: clinical testing. Allele origin: germline. Affected: yes. Not counted in ClinVar's aggregate classification.

Institute of Medical Genetics and Genomics, Sir Ganga Ram Hospital
Classification: Pathogenic for Long QT syndrome, LQT1 subtype. Last evaluated: 2013-01-01. Review status: no assertion criteria provided. Collection method: research. Allele origin: germline. Affected: yes. Observed: 1 variant allele. Study: Life Threatening Long QT Syndromes. Not counted in ClinVar's aggregate classification.

Literature cited by the submitters: PubMed 20890437 (cited by Labcorp Genetics (formerly Invitae), Labcorp and Victorian Clinical Genetics Services, Murdoch Childrens Research Institute); PubMed 22539601 (cited by Labcorp Genetics (formerly Invitae), Labcorp and Victorian Clinical Genetics Services, Murdoch Childrens Research Institute); PubMed 15194462 (cited by Labcorp Genetics (formerly Invitae), Labcorp and Victorian Clinical Genetics Services, Murdoch Childrens Research Institute); PubMed 12442276 (cited by Labcorp Genetics (formerly Invitae), Labcorp); PubMed 16414944 (cited by Labcorp Genetics (formerly Invitae), Labcorp and Victorian Clinical Genetics Services, Murdoch Childrens Research Institute); PubMed 19716085 (cited by Labcorp Genetics (formerly Invitae), Labcorp); PubMed 21241800 (cited by Labcorp Genetics (formerly Invitae), Labcorp); PubMed 21895724 (cited by Labcorp Genetics (formerly Invitae), Labcorp); PubMed 23130128 (cited by Labcorp Genetics (formerly Invitae), Labcorp); PubMed 15176425 (cited by Victorian Clinical Genetics Services, Murdoch Childrens Research Institute); PubMed 19632626 (cited by Victorian Clinical Genetics Services, Murdoch Childrens Research Institute); PubMed 27485560 (cited by Victorian Clinical Genetics Services, Murdoch Childrens Research Institute and Institute of Medical Genetics and Genomics, Sir Ganga Ram Hospital); PubMed 28438721 (cited by Victorian Clinical Genetics Services, Murdoch Childrens Research Institute).

NM_000218.3(KCNQ1):c.825CTC[1] (p.Ser277del)

Gene: KCNQ1 (potassium voltage-gated channel subfamily Q member 1; plus strand). Cytogenetic location: 11p15.5.
Variant type: Microsatellite.
Coding change: c.825CTC[1] on transcript NM_000218.3 (MANE Select); one copy of the 3-base unit CTC starting at c.825; the reference has two copies in a row; one copy, 3 bases deleted; also written c.828_830del.
Protein change: p.Ser277del; deletes serine 277.
Molecular consequence: inframe deletion. On other transcripts: inframe indel (5).
Genome position (GRCh38, 1-based): chr11:2,572,893-2,572,895, CTC deleted; deleting any 3 consecutive bases within chr11:2,572,890-2,572,895 gives the same sequence; the position shown is the placement nearest the transcript's 3' end. VCF-style (leftmost placement, unchanged base first): chr11-2572889-TCTC-T. GRCh37 (hg19) VCF-style: chr11-2594119-TCTC-T.
Other names: c.447_449delCTC (NM_181798.1); c.828_830delCTC (NM_000218.2); c.828_830del (NM_000218.2); c.825_827CTC[1], p.Ser277del (NM_001406836.1); c.555_557CTC[1], p.Ser187del (NM_001406837.1); c.444_446CTC[1], p.Ser150del (NM_181798.2); short protein forms S277del, S150del, S187del.
Identifiers: ClinVar variation 53114 (VCV000053114.50), dbSNP rs397508127, ClinGen allele CA008383.
Genomic context (GRCh38, chr11:2,572,889, plus strand): 5'-TGTGTTTTCTGGCCTAGGAGCTGATAACCACCCTGTACATCGGCTTCCTGGGCCTCATCT[TCTC>T]CTCGTACTTTGTGTACCTGGCTGAGAAGGACGCGGTGAACGAGTCAGGCCGCGTGGAGTT-3'